The following is an entry in ClinVar:

ClinVar aggregate classification (germline): Benign. Review status: criteria provided, multiple submitters, no conflicts (2 of 4 stars). 20 submissions from 17 submitters: Benign (16). 4 of the submissions do not count toward it. Last evaluated 2026-02-04.

Conditions:
Congenital multicore myopathy with external ophthalmoplegia (CMYO1B). Also called: MULTIMINICORE DISEASE WITH EXTERNAL OPHTHALMOPLEGIA; MULTICORE MYOPATHY; Minicore myopathy with external ophthalmoplegia; Congenital myopathy 1B, autosomal recessive; Minicore myopathy. Identifiers: Orphanet 598, Orphanet 98905, MedGen C1850674, MONDO:0009712, OMIM 255320, HP:0003789.
Central core myopathy (CMYO1A). Also called: CONGENITAL MYOPATHY 1A, AUTOSOMAL DOMINANT, WITH SUSCEPTIBILITY TO MALIGNANT HYPERTHERMIA; Central core disease; Myopathy, central fibrillar. Identifiers: Orphanet 597, MedGen C5830701, MONDO:0007294, OMIM 117000.
Malignant hyperthermia, susceptibility to, 1 (MHS1). Also called: Malignant hyperthermia suceptibility 1; Anesthesia related hyperthermia; Malignant hyperpyrexia; Fulminating hyperpyrexia; Pharmacogenic myopathy; RYR1-Related Malignant Hyperthermia Susceptibility. Identifiers: Orphanet 423, MedGen C2930980, MONDO:0007783, OMIM 145600.
King Denborough syndrome (KDS). Identifiers: MedGen C1840365, MONDO:0020485, OMIM 619542.
Congenital myopathy with fiber type disproportion. Also called: Congenital fiber-type disproportion myopathy; Congenital fiber-type disproportion. Identifiers: Orphanet 2020, MedGen C0546264, MONDO:0009711. Inheritance: all.
RYR1-related disorder. Also called: RYR1-related condition; RYR1-related disorders. Identifiers: MedGen CN239331.

Allele frequency attached by ClinVar (database versions not stated): ESP Exome Variant Server 0.31954; gnomAD exomes 0.32296; ExAC 0.32610; gnomAD 0.33092 and 0.33486; TOPMed 0.34264; 1000 Genomes Project 30x 0.40896; 1000 Genomes Project 0.41234.
gnomAD v4.1: 454,478 of 1,613,528 alleles (28%); highest among the groups gnomAD compares: African/African-American, 46%; 68,314 homozygotes.

Submissions (21):

Labcorp Genetics (formerly Invitae), Labcorp
Classification: Benign for RYR1-related disorder. Last evaluated: 2026-02-04. Review status: criteria provided, single submitter. Criteria: Invitae Variant Classification Sherloc (09022015). Collection method: clinical testing. Allele origin: germline.

Blueprint Genetics
Classification: Benign. Last evaluated: 2024-11-28. Review status: criteria provided, single submitter. Criteria: ACMG Guidelines, 2015. Collection method: clinical testing. Allele origin: germline.

Genome-Nilou Lab
Classification: Benign for Central core myopathy. Last evaluated: 2021-11-07. Review status: criteria provided, single submitter. Criteria: ACMG Guidelines, 2015. Collection method: clinical testing. Allele origin: germline. Affected: no.

Genome-Nilou Lab
Classification: Benign for King Denborough syndrome. Last evaluated: 2021-11-07. Review status: criteria provided, single submitter. Criteria: ACMG Guidelines, 2015. Collection method: clinical testing. Allele origin: germline. Affected: no.

Genome-Nilou Lab
Classification: Benign for Congenital multicore myopathy with external ophthalmoplegia. Last evaluated: 2021-11-07. Review status: criteria provided, single submitter. Criteria: ACMG Guidelines, 2015. Collection method: clinical testing. Allele origin: germline. Affected: no.

Fulgent Genetics
Classification: Benign for Central core myopathy; Malignant hyperthermia, susceptibility to, 1; Congenital myopathy 4A, autosomal dominant; Congenital multicore myopathy with external ophthalmoplegia; King Denborough syndrome. Last evaluated: 2021-10-08. Review status: criteria provided, single submitter. Criteria: ACMG Guidelines, 2015. Collection method: clinical testing. Allele origin: unknown.

Color Diagnostics, LLC DBA Color Health
Classification: Benign for Malignant hyperthermia, susceptibility to, 1. Last evaluated: 2019-03-29. Review status: criteria provided, single submitter. Criteria: ACMG Guidelines, 2015. Collection method: clinical testing. Allele origin: germline.

PreventionGenetics, part of Exact Sciences
Classification: Benign. Last evaluated: 2018-04-03. Review status: criteria provided, single submitter. Criteria: ACMG Guidelines, 2015. Collection method: clinical testing. Allele origin: germline.

Illumina Laboratory Services, Illumina
Classification: Benign for Malignant hyperthermia, susceptibility to, 1. Last evaluated: 2018-01-12. Review status: criteria provided, single submitter. Criteria: ICSL Variant Classification Criteria 13 December 2019. Collection method: clinical testing. Allele origin: germline.
Comment: This variant was observed in the ICSL laboratory as part of a predisposition screen in an ostensibly healthy population. It had not been previously curated by ICSL or reported in the Human Gene Mutation Database (HGMD: prior to June 1st, 2018), and was therefore a candidate for classification through an automated scoring system. Utilizing variant allele frequency, disease prevalence and penetrance estimates, and inheritance mode, an automated score was calculated to assess if this variant is too frequent to cause the disease. Based on the score and internal cut-off values, a variant classified as benign is not then subjected to further curation. The score for this variant resulted in a classification of benign for this disease.

Illumina Laboratory Services, Illumina
Classification: Benign for Congenital multicore myopathy with external ophthalmoplegia. Last evaluated: 2018-01-12. Review status: criteria provided, single submitter. Criteria: ICSL Variant Classification Criteria 13 December 2019. Collection method: clinical testing. Allele origin: germline.
Comment: the same text as in the submission from Illumina Laboratory Services, Illumina above.

Mayo Clinic Laboratories, Mayo Clinic
Classification: Benign. Last evaluated: 2017-07-19. Review status: criteria provided, single submitter. Criteria: ACMG Guidelines, 2015. Collection method: clinical testing. Allele origin: germline. Observed: 406 variant alleles.

Eurofins Ntd Llc (ga)
Classification: Benign. Last evaluated: 2016-05-20. Review status: criteria provided, single submitter. Criteria: EGL Classification Definitions 2015. Collection method: clinical testing. Allele origin: germline. Observed: 45 variant alleles, 38 heterozygotes, 7 homozygotes.

GeneDx
Classification: Benign. Last evaluated: 2016-01-25. Review status: criteria provided, single submitter. Criteria: GeneDx Variant Classification (06012015). Collection method: clinical testing. Allele origin: germline. Affected: yes.
Comment: This variant is considered likely benign or benign based on one or more of the following criteria: it is a conservative change, it occurs at a poorly conserved position in the protein, it is predicted to be benign by multiple in silico algorithms, and/or has population frequency not consistent with disease.

Laboratory for Molecular Medicine, Mass General Brigham Personalized Medicine
Classification: Benign. Last evaluated: 2015-01-13. Review status: criteria provided, single submitter. Criteria: LMM Criteria. Collection method: clinical testing. Allele origin: germline. Observed: 4 variant alleles.
Comment: p.Thr2659Thr in exon 50 of RYR1: This variant is not expected to have clinical s ignificance because it does not alter an amino acid residue and is not located w ithin the splice consensus sequence. It has been identified in 45.8% (2016/4406) of African American chromosomes from a broad population by the NHLBI Exome Sequ encing Project (dbSNP rs2229144).

Genetic Services Laboratory, University of Chicago
Classification: Benign. Last evaluated: 2013-08-15. Review status: criteria provided, single submitter. Criteria: ACMG Guidelines, 2007. Collection method: clinical testing. Allele origin: germline. Inheritance: Autosomal unknown.

Breakthrough Genomics
Classification: Benign. Review status: criteria provided, single submitter. Criteria: ACMG Guidelines, 2015. Collection method: not provided. Allele origin: germline. Inheritance: Autosomal recessive inheritance. Affected: yes.

Clinical Genetics, Academic Medical Center
Classification: Benign. Review status: no assertion criteria provided. Collection method: clinical testing. Allele origin: germline. Affected: yes. Study: VKGL Data-share Consensus. Not counted in ClinVar's aggregate classification.

Department of Pathology and Laboratory Medicine, Sinai Health System
Classification: Uncertain significance. Review status: no assertion criteria provided. Collection method: clinical testing. Allele origin: unknown. Affected: yes. Study: The Canadian Open Genetics Repository (COGR). Not counted in ClinVar's aggregate classification.
Comment: Allele frequency is common in at least one population database (frequency: 47.05% in ExAC) based on the frequency threshold of 2.223% for this gene. Variant was observed in a homozygous state in population databases more than expected for disease. 9 reputable source/s reports the variant as benign, but the evidence is not available to the laboratory to perform an independent evaluation. A synonymous variant not located in a splice region.

Dr. Peter K. Rogan Lab, Western University
No classification provided (evidence only). Condition: Germ cell tumor of testis. Review status: no classification provided. Collection method: in vitro. Allele origin: not applicable. Functional consequence: retained intron. Not counted in ClinVar's aggregate classification.

Joint Genome Diagnostic Labs from Nijmegen and Maastricht, Radboudumc and MUMC+
Classification: Benign. Review status: no assertion criteria provided. Collection method: clinical testing. Allele origin: germline. Affected: yes. Study: VKGL Data-share Consensus. Not counted in ClinVar's aggregate classification.

RYR1 database
No classification provided. Review status: no classification provided. Collection method: not provided. Allele origin: unknown. Not counted in ClinVar's aggregate classification.

NM_000540.3(RYR1):c.7977G>A (p.Thr2659=)

Gene: RYR1 (ryanodine receptor 1; plus strand). Cytogenetic location: 19q13.2.
Variant type: single nucleotide variant.
Coding change: c.7977G>A on transcript NM_000540.3 (MANE Select); coding-DNA position 7977, G replaced by A.
Protein change: p.Thr2659=; no amino-acid change (threonine 2659 retained).
Molecular consequence: synonymous variant.
Genome position (GRCh38, 1-based): chr19:38,504,270, G>A. VCF-style: chr19-38504270-G-A. GRCh37 (hg19) VCF-style: chr19-38994910-G-A.
Other names: p.Thr2659=; c.7977G>A, p.Thr2659= (NM_001042723.2).
Identifiers: ClinVar variation 93296 (VCV000093296.38), dbSNP rs2229144, ClinGen allele CA024878.
Genomic context (GRCh38, chr19:38,504,270, plus strand): 5'-TCCCACCCAGCTCCTCACCAACCACTATGAGCGCTGTTGGAAGTACTACTGCCTACCCAC[G>A]GGCTGGGCCAACTTCGGGGTCACCTCAGAGGAGGAGCTGCACCTCACACGGAAACTCTTC-3'
Protein context (NP_000531.2, residues 2649-2669): ERCWKYYCLP[Thr2659=]GWANFGVTSE